The following is an entry in ClinVar:

ClinVar aggregate classification (germline): Uncertain significance (1 of 4 stars; one submission).

Submission:

Women's Health and Genetics/Laboratory Corporation of America, LabCorp
Classification: Uncertain significance. Last evaluated: 2026-05-21. Review status: criteria provided, single submitter. Criteria: LabCorp Variant Classification Summary - May 2015. Collection method: clinical testing. Allele origin: germline.
Comment: Variant summary: VWF c.6794A>G (p.His2265Arg) results in a non-conservative amino acid change in the encoded protein sequence. Algorithms developed to predict the effect of missense changes on protein structure and function are either unavailable or do not agree on the potential impact of this missense change. The variant was absent in 251308 control chromosomes. The available data on variant occurrences in the general population are insufficient to allow any conclusion about variant significance. To our knowledge, no occurrence of c.6794A>G in individuals affected with VWF-related conditions and no experimental evidence demonstrating its impact on protein function have been reported. No submitters have cited clinical-significance assessments for this variant to ClinVar. Based on the evidence outlined above, the variant was classified as uncertain significance.

NM_000552.5(VWF):c.6794A>G (p.His2265Arg)

Gene: VWF (von Willebrand factor; minus strand). Cytogenetic location: 12p13.31.
Variant type: single nucleotide variant.
Coding change: c.6794A>G on transcript NM_000552.5 (MANE Select); coding-DNA position 6794, A replaced by G.
Protein change: p.His2265Arg; replaces histidine 2265 with arginine.
Molecular consequence: missense variant.
Genome position (GRCh38, 1-based): chr12:5,991,823, T>C on the plus strand (A>G on the coding strand, the complement: VWF is on the minus strand). VCF-style: chr12-5991823-T-C. GRCh37 (hg19) VCF-style: chr12-6100989-T-C.
Other names: short protein forms H2265R.
Identifiers: ClinVar variation 4853728 (VCV004853728.1).
Genomic context (GRCh38, chr12:5,991,823, plus strand): 5'-CCTTTTGACCCAAGAGGGAAGCAGCCCCATGGGAAGTGAAAGGCCCAGGCTCCTACCTGG[T>C]GCTGGACTCCATCCTCACCAATGCACTGAGTGCAGGCCTCTTCAGGGACACAGCTGCCTT-3'
Protein context (NP_000543.3, residues 2255-2275): TQCIGEDGVQ[His2265Arg]QFLEAWVPDH